The following is an entry in ClinVar:

NM_003072.5(SMARCA4):c.1483G>A (p.Gly495Ser)

Gene: SMARCA4 (SWI/SNF related BAF chromatin remodeling complex subunit ATPase 4; plus strand). Cytogenetic location: 19p13.2.
Variant type: single nucleotide variant.
Coding change: c.1483G>A on transcript NM_003072.5 (MANE Select); coding-DNA position 1483, G replaced by A.
Protein change: p.Gly495Ser; replaces glycine 495 with serine.
Molecular consequence: missense variant. On other transcripts: non-coding transcript variant (1).
Genome position (GRCh38, 1-based): chr19:10,994,891, G>A. VCF-style: chr19-10994891-G-A. GRCh37 (hg19) VCF-style: chr19-11105567-G-A.
Other names: c.1483G>A, p.Gly495Ser (NM_001128844.3, NM_001128845.2, NM_001128846.2 and 5 more transcripts); short protein forms G495S.
Identifiers: ClinVar variation 408668 (VCV000408668.9), dbSNP rs1060502093, ClinGen allele CA16615931.

ClinVar aggregate classification (germline): Uncertain significance. Review status: criteria provided, multiple submitters, no conflicts (2 of 4 stars). 2 submissions from 2 submitters: Uncertain significance (2). Last evaluated 2024-07-11.

Conditions:
Hereditary cancer-predisposing syndrome. Also called: Hereditary Cancer Syndrome; Hereditary neoplastic syndrome; Neoplastic Syndromes, Hereditary; Tumor predisposition. Identifiers: Orphanet 140162, MedGen C0027672, MeSH D009386, MONDO:0015356.
Rhabdoid tumor predisposition syndrome 2 (RTPS2). Identifiers: Orphanet 231108, Orphanet 69077, MedGen C2750074, MONDO:0013224, OMIM 613325.

Allele frequency attached by ClinVar (database versions not stated): gnomAD exomes below 0.00001.
gnomAD v4.1: 1 of 1,614,154 alleles (0.000062%); highest among the groups gnomAD compares: Non-Finnish European, 0.000085%; no homozygotes.

Submissions (2):

Ambry Genetics
Classification: Uncertain significance for Hereditary cancer-predisposing syndrome. Last evaluated: 2024-07-11. Review status: criteria provided, single submitter. Criteria: Ambry Variant Classification Scheme 2023. Collection method: clinical testing. Allele origin: germline.
Comment: The p.G495S variant (also known as c.1483G>A), located in coding exon 8 of the SMARCA4 gene, results from a G to A substitution at nucleotide position 1483. The glycine at codon 495 is replaced by serine, an amino acid with similar properties. This amino acid position is conserved. In addition, this alteration is predicted to be tolerated by in silico analysis. Based on the available evidence, the clinical significance of this variant remains unclear.

Labcorp Genetics (formerly Invitae), Labcorp
Classification: Uncertain significance for Rhabdoid tumor predisposition syndrome 2. Last evaluated: 2016-06-21. Review status: criteria provided, single submitter. Criteria: Invitae Variant Classification Sherloc (09022015). Collection method: clinical testing. Allele origin: germline.
Comment: This variant is not present in population databases (ExAC no frequency) and has not been reported in the literature in individuals with a SMARCA4-related disease. Algorithms developed to predict the effect of missense changes on protein structure and function do not agree on the potential impact of this missense change (SIFT: "Deleterious"; PolyPhen-2: "Benign"; Align-GVGD: "Class C0"). In summary, this variant is a novel missense change with uncertain impact on protein function. It has been classified as a Variant of Uncertain Significance. This sequence change replaces glycine with serine at codon 495 of the SMARCA4 protein (p.Gly495Ser). The glycine residue is highly conserved and there is a small physicochemical difference between glycine and serine.